The following is an entry in ClinVar:

NM_172107.4(KCNQ2):c.995G>A (p.Arg332Lys)

Gene: KCNQ2 (potassium voltage-gated channel subfamily Q member 2; minus strand). Cytogenetic location: 20q13.33.
Variant type: single nucleotide variant.
Coding change: c.995G>A on transcript NM_172107.4 (MANE Select); coding-DNA position 995, G replaced by A.
Protein change: p.Arg332Lys; replaces arginine 332 with lysine.
Molecular consequence: missense variant.
Genome position (GRCh38, 1-based): chr20:63,438,653, C>T on the plus strand (G>A on the coding strand, the complement: KCNQ2 is on the minus strand). VCF-style: chr20-63438653-C-T. GRCh37 (hg19) VCF-style: chr20-62070006-C-T.
Other names: p.R332K:AGG>AAG; c.995G>A, p.Arg332Lys (NM_004518.6, NM_172106.3, NM_172108.5 and 1 more transcripts); short protein forms R332K.
Identifiers: ClinVar variation 205891 (VCV000205891.5), dbSNP rs796052640, ClinGen allele CA315416.

ClinVar aggregate classification (germline): Pathogenic/Likely pathogenic. Review status: criteria provided, multiple submitters, no conflicts (2 of 4 stars). 2 submissions from 2 submitters: Pathogenic (1); Likely pathogenic (1). Last evaluated 2025-03-10.

Conditions:
Early-infantile DEE. Also called: Ohtahara syndrome; Early infantile epileptic encephalopathy; Early infantile epileptic encephalopathy with suppression bursts. Identifiers: Orphanet 1934, MedGen C0393706, MONDO:0800491.

Submissions (2):

GeneDx
Classification: Pathogenic. Last evaluated: 2025-03-10. Review status: criteria provided, single submitter. Criteria: GeneDx Variant Classification Process June 2021. Collection method: clinical testing. Allele origin: germline. Affected: yes.
Comment: Not observed at significant frequency in large population cohorts (gnomAD); In silico analysis supports that this missense variant has a deleterious effect on protein structure/function; This variant is associated with the following publications: (PMID: 27602407, 29655203)

Labcorp Genetics (formerly Invitae), Labcorp
Classification: Likely pathogenic for Early-infantile DEE. Last evaluated: 2024-11-27. Review status: criteria provided, single submitter. Criteria: Invitae Variant Classification Sherloc (09022015). Collection method: clinical testing. Allele origin: germline.
Comment: This sequence change replaces arginine, which is basic and polar, with lysine, which is basic and polar, at codon 332 of the KCNQ2 protein (p.Arg332Lys). This variant is not present in population databases (gnomAD no frequency). This missense change has been observed in individual(s) with clinical features of KCNQ2-related conditions (PMID: 29655203; internal data). ClinVar contains an entry for this variant (Variation ID: 205891). Invitae Evidence Modeling of protein sequence and biophysical properties (such as structural, functional, and spatial information, amino acid conservation, physicochemical variation, residue mobility, and thermodynamic stability) indicates that this missense variant is expected to disrupt KCNQ2 protein function with a positive predictive value of 95%. This variant disrupts the p.Arg332 amino acid residue in KCNQ2. Other variant(s) that disrupt this residue have been determined to be pathogenic (internal data). This suggests that this residue is clinically significant, and that variants that disrupt this residue are likely to be disease-causing. In summary, the currently available evidence indicates that the variant is pathogenic, but additional data are needed to prove that conclusively. Therefore, this variant has been classified as Likely Pathogenic.

Literature cited by the submitters: PubMed 29655203 (cited by Labcorp Genetics (formerly Invitae), Labcorp).